The following is an entry in ClinVar:

ClinVar aggregate classification (germline): Uncertain significance. Review status: criteria provided, multiple submitters, no conflicts (2 of 4 stars). 3 submissions from 3 submitters: Uncertain significance (3). Last evaluated 2024-05-15.

Conditions:
Inborn genetic diseases. Identifiers: MedGen C0950123, MeSH D030342.
Familial hemophagocytic lymphohistiocytosis 3 (FHL3). Also called: UNC13D-Related Familial Hemophagocytic Lymphohistiocytosis (UNC13D-fHLH). Identifiers: Orphanet 540, MedGen C1837174, MONDO:0012146, OMIM 608898.

Allele frequency attached by ClinVar (database versions not stated): gnomAD 0.00001.

Submissions (3):

Mayo Clinic Laboratories, Mayo Clinic
Classification: Uncertain significance. Last evaluated: 2024-05-15. Review status: criteria provided, single submitter. Criteria: ACMG Guidelines, 2015. Collection method: clinical testing. Allele origin: germline. Observed: 2 variant alleles.
Comment: PM2

Labcorp Genetics (formerly Invitae), Labcorp
Classification: Uncertain significance for Familial hemophagocytic lymphohistiocytosis 3. Last evaluated: 2022-07-15. Review status: criteria provided, single submitter. Criteria: Invitae Variant Classification Sherloc (09022015). Collection method: clinical testing. Allele origin: germline.
Comment: This sequence change replaces asparagine, which is neutral and polar, with serine, which is neutral and polar, at codon 1050 of the UNC13D protein (p.Asn1050Ser). This variant is not present in population databases (gnomAD no frequency). This variant has not been reported in the literature in individuals affected with UNC13D-related conditions. Algorithms developed to predict the effect of missense changes on protein structure and function output the following: SIFT: "Not Available"; PolyPhen-2: "Benign"; Align-GVGD: "Not Available". The serine amino acid residue is found in multiple mammalian species, which suggests that this missense change does not adversely affect protein function. Algorithms developed to predict the effect of sequence changes on RNA splicing suggest that this variant may disrupt the consensus splice site. In summary, the available evidence is currently insufficient to determine the role of this variant in disease. Therefore, it has been classified as a Variant of Uncertain Significance.

Ambry Genetics
Classification: Uncertain significance for Inborn genetic diseases. Last evaluated: 2021-08-19. Review status: criteria provided, single submitter. Criteria: Ambry Variant Classification Scheme 2023. Collection method: clinical testing. Allele origin: germline.

NM_199242.3(UNC13D):c.3149A>G (p.Asn1050Ser)

Gene: UNC13D (unc-13 homolog D; minus strand). Cytogenetic location: 17q25.1.
Variant type: single nucleotide variant.
Coding change: c.3149A>G on transcript NM_199242.3 (MANE Select); coding-DNA position 3149, A replaced by G.
Protein change: p.Asn1050Ser; replaces asparagine 1050 with serine.
Molecular consequence: missense variant.
Genome position (GRCh38, 1-based): chr17:75,828,789, T>C on the plus strand (A>G on the coding strand, the complement: UNC13D is on the minus strand). VCF-style: chr17-75828789-T-C. GRCh37 (hg19) VCF-style: chr17-73824870-T-C.
Other names: p.Asn1050Ser; short protein forms N1050S.
Identifiers: ClinVar variation 2160093 (VCV002160093.3), dbSNP rs754299432, ClinGen allele CA401074013.